The following is an entry in ClinVar:

ClinVar aggregate classification (germline): Likely benign (1 of 4 stars; one submission).

gnomAD v4.1: 22 of 1,610,762 alleles (0.0014%); highest among the groups gnomAD compares: African/African-American, 0.0027%; no homozygotes.

Submission:

CeGaT Center for Human Genetics Tuebingen
Classification: Likely benign. Last evaluated: 2026-07-01. Review status: criteria provided, single submitter. Criteria: CeGaT Center For Human Genetics Tuebingen Variant Classification Criteria Version 2. Collection method: clinical testing. Allele origin: germline. Affected: yes. Observed: 1 variant allele.
Comment: GLYCTK: BP4, BP7

NM_145262.4(GLYCTK):c.369C>T (p.Ala123=)

Gene: GLYCTK (glycerate kinase; plus strand). Cytogenetic location: 3p21.2.
Variant type: single nucleotide variant.
Coding change: c.369C>T on transcript NM_145262.4 (MANE Select); coding-DNA position 369, C replaced by T.
Protein change: p.Ala123=; no amino-acid change (alanine 123 retained).
Molecular consequence: synonymous variant. On other transcripts: non-coding transcript variant (5).
Genome position (GRCh38, 1-based): chr3:52,290,711, C>T. VCF-style: chr3-52290711-C-T. GRCh37 (hg19) VCF-style: chr3-52324727-C-T.
Other names: c.369C>T, p.Ala123= (NM_001144951.2, NM_001437621.1, NM_001437622.1).
Identifiers: ClinVar variation 5039536 (VCV005039536.1).